The following is an entry in ClinVar:

ClinVar aggregate classification (germline): Uncertain significance. Review status: criteria provided, multiple submitters, no conflicts (2 of 4 stars). 4 submissions from 4 submitters: Uncertain significance (4). Last evaluated 2026-08-14.

Conditions:
RETREG1-related disorder. Also called: RETREG1-related condition.
Inborn genetic diseases. Identifiers: MedGen C0950123, MeSH D030342.

Allele frequency attached by ClinVar (database versions not stated): gnomAD 0.00001; gnomAD exomes 0.00002 and 0.00009; TOPMed 0.00006.
gnomAD v4.1: 15 of 1,506,656 alleles (0.001%); highest among the groups gnomAD compares: Admixed American, 0.023%; no homozygotes.

Submissions (4):

PreventionGenetics, part of Exact Sciences
Classification: Uncertain significance for RETREG1-related condition. Last evaluated: 2026-08-14. Review status: criteria provided, single submitter. Criteria: ACMG Guidelines, 2015. Collection method: clinical testing. Allele origin: germline.
Comment: The RETREG1 c.110G>C variant is predicted to result in the amino acid substitution p.Arg37Pro. To our knowledge, this variant has not been reported in the literature. This variant is reported in 0.038% of alleles in individuals of Latino descent in gnomAD. At this time, the clinical significance of this variant is uncertain due to the absence of conclusive functional and genetic evidence.

Women's Health and Genetics/Laboratory Corporation of America, LabCorp
Classification: Uncertain significance. Last evaluated: 2025-11-05. Review status: criteria provided, single submitter. Criteria: LabCorp Variant Classification Summary - May 2015. Collection method: clinical testing. Allele origin: germline.
Comment: Variant summary: RETREG1 c.110G>C (p.Arg37Pro) results in a non-conservative amino acid change in the encoded protein sequence. Algorithms developed to predict the effect of missense changes on protein structure and function are either unavailable or do not agree on the potential impact of this missense change. The variant allele was found at a frequency of 8.9e-05 in 101598 control chromosomes. The available data on variant occurrences in the general population are insufficient to allow any conclusion about variant significance. To our knowledge, no occurrence of c.110G>C in individuals affected with RETREG1-related conditions and no experimental evidence demonstrating its impact on protein function have been reported. ClinVar contains an entry for this variant (Variation ID: 839565). Based on the evidence outlined above, the variant was classified as uncertain significance.

Ambry Genetics
Classification: Uncertain significance for Inborn genetic diseases. Last evaluated: 2025-09-26. Review status: criteria provided, single submitter. Criteria: Ambry Variant Classification Scheme 2023. Collection method: clinical testing. Allele origin: germline.

Labcorp Genetics (formerly Invitae), Labcorp
Classification: Uncertain significance. Last evaluated: 2022-07-16. Review status: criteria provided, single submitter. Criteria: Invitae Variant Classification Sherloc (09022015). Collection method: clinical testing. Allele origin: germline.
Comment: This sequence change replaces arginine, which is basic and polar, with proline, which is neutral and non-polar, at codon 37 of the RETREG1 protein (p.Arg37Pro). This variant is present in population databases (no rsID available, gnomAD 0.04%). This variant has not been reported in the literature in individuals affected with RETREG1-related conditions. ClinVar contains an entry for this variant (Variation ID: 839565). Algorithms developed to predict the effect of missense changes on protein structure and function are either unavailable or do not agree on the potential impact of this missense change (SIFT: "Tolerated"; PolyPhen-2: "Not Available"; Align-GVGD: "Class C0"). In summary, the available evidence is currently insufficient to determine the role of this variant in disease. Therefore, it has been classified as a Variant of Uncertain Significance.

NM_001034850.3(RETREG1):c.110G>C (p.Arg37Pro)

Genes: RETREG1 (reticulophagy regulator 1; minus strand), RETREG1-AS1 (RETREG1 antisense RNA 1; plus strand), LOC129993734 (ATAC-STARR-seq lymphoblastoid silent region 15947; plus strand). Cytogenetic location: 5p15.1.
Variant type: single nucleotide variant.
Coding change: c.110G>C on transcript NM_001034850.3 (MANE Select); coding-DNA position 110, G replaced by C.
Protein change: p.Arg37Pro; replaces arginine 37 with proline.
Molecular consequence: missense variant.
Genome position (GRCh38, 1-based): chr5:16,616,862, C>G on the plus strand (G>C on the coding strand, the complement: RETREG1 is on the minus strand). VCF-style: chr5-16616862-C-G. GRCh37 (hg19) VCF-style: chr5-16616971-C-G.
Other names: c.110G>C (NM_001034850.1); short protein forms R37P.
Identifiers: ClinVar variation 839565 (VCV000839565.10), dbSNP rs977346278, ClinGen allele CA114976554.